The following is an entry in ClinVar:

NM_003737.4(DCHS1):c.4586_4587delinsTT (p.Arg1529Leu)

Gene: DCHS1 (dachsous cadherin-related 1; minus strand). Cytogenetic location: 11p15.4.
Variant type: Indel.
Coding change: c.4586_4587delinsTT on transcript NM_003737.4 (MANE Select); coding-DNA positions 4586 to 4587, GC replaced by TT.
Protein change: p.Arg1529Leu; replaces arginine 1529 with leucine.
Molecular consequence: missense variant.
Genome position (GRCh38, 1-based): chr11:6,630,207-6,630,208, GC replaced by AA on the plus strand (GC replaced by TT on the coding strand, the reverse complement: DCHS1 is on the minus strand). VCF-style: chr11-6630207-GC-AA. GRCh37 (hg19) VCF-style: chr11-6651438-GC-AA.
Other names: short protein forms R1529L.
Identifiers: ClinVar variation 1934228 (VCV001934228.5), dbSNP rs2493823805, ClinGen allele CA2580083987.

ClinVar aggregate classification (germline): Uncertain significance (1 of 4 stars; one submission).

Submission:

Labcorp Genetics (formerly Invitae), Labcorp
Classification: Uncertain significance. Last evaluated: 2022-07-05. Review status: criteria provided, single submitter. Criteria: Invitae Variant Classification Sherloc (09022015). Collection method: clinical testing. Allele origin: germline.
Comment: This sequence change replaces arginine, which is basic and polar, with leucine, which is neutral and non-polar, at codon 1529 of the DCHS1 protein (p.Arg1529Leu). Information on the frequency of this variant in the gnomAD database is not available, as this variant may be reported differently in the database. This variant has not been reported in the literature in individuals affected with DCHS1-related conditions. Algorithms developed to predict the effect of missense changes on protein structure and function are either unavailable or do not agree on the potential impact of this missense change (SIFT: "Not Available"; PolyPhen-2: "Possibly Damaging"; Align-GVGD: "Not Available"). In summary, the available evidence is currently insufficient to determine the role of this variant in disease. Therefore, it has been classified as a Variant of Uncertain Significance.